The following is an entry in ClinVar:

ClinVar aggregate classification (germline): Likely pathogenic (1 of 4 stars; one submission).

Submission:

Labcorp Genetics (formerly Invitae), Labcorp
Classification: Likely pathogenic. Last evaluated: 2023-05-10. Review status: criteria provided, single submitter. Criteria: Invitae Variant Classification Sherloc (09022015). Collection method: clinical testing. Allele origin: germline.
Comment: This variant has been observed in individual(s) with Stargardt disease (PMID: 32307445; Invitae). This variant is not present in population databases (gnomAD no frequency). This sequence change falls in intron 30 of the ABCA4 gene. It does not directly change the encoded amino acid sequence of the ABCA4 protein. RNA analysis indicates that this variant induces altered splicing and likely results in the gain of 2 amino acid residue(s), but is expected to preserve the integrity of the reading-frame. Studies have shown that this variant results in the activation of a cryptic splice site in intron 30 (PMID: 32307445). In summary, the currently available evidence indicates that the variant is pathogenic, but additional data are needed to prove that conclusively. Therefore, this variant has been classified as Likely Pathogenic. ClinVar contains an entry for this variant (Variation ID: 1347072).

Literature cited by the submitters: PubMed 32307445.

NM_000350.3(ABCA4):c.4540-8T>A

Gene: ABCA4 (ATP binding cassette subfamily A member 4; minus strand). Cytogenetic location: 1p22.1.
Variant type: single nucleotide variant.
Coding change: c.4540-8T>A on transcript NM_000350.3 (MANE Select); 8 bases into the intron before coding-DNA position 4540, T replaced by A.
Molecular consequence: intron variant.
Genome position (GRCh38, 1-based): chr1:94,025,056, A>T on the plus strand (T>A on the coding strand, the complement: ABCA4 is on the minus strand). VCF-style: chr1-94025056-A-T. GRCh37 (hg19) VCF-style: chr1-94490612-A-T.
Identifiers: ClinVar variation 1347072 (VCV001347072.6), dbSNP rs752607057, ClinGen allele CA2573132701.